The following is an entry in ClinVar:

NM_032444.4(SLX4):c.4862del (p.Leu1621fs)

Gene: SLX4 (SLX4 structure-specific endonuclease subunit; minus strand). Cytogenetic location: 16p13.3.
Variant type: Deletion.
Coding change: c.4862del on transcript NM_032444.4 (MANE Select); coding-DNA position 4862, one base deleted (T; older notation c.4862delT).
Protein change: p.Leu1621fs; shifts the reading frame from leucine 1621.
Molecular consequence: frameshift variant.
Genome position (GRCh38, 1-based): chr16:3,583,388, A deleted on the plus strand (T on the coding strand, the reverse complement: SLX4 is on the minus strand); the first of 2 consecutive A bases (chr16:3,583,388-3,583,389); deleting either gives the same sequence. VCF-style (leftmost placement, unchanged base first): chr16-3583387-CA-C. GRCh37 (hg19) VCF-style: chr16-3633388-CA-C.
Other names: c.4862del (LRG_503t1); short protein forms L1621fs.
Identifiers: ClinVar variation 578780 (VCV000578780.8), dbSNP rs1567166544, ClinGen allele CA891843759.

ClinVar aggregate classification (germline): Pathogenic (1 of 4 stars; one submission).

Conditions:
Fanconi anemia (FA). Also called: Fanconi's anemia. Identifiers: Orphanet 84, MedGen C0015625, MeSH D005199, MONDO:0019391.

Submission:

Labcorp Genetics (formerly Invitae), Labcorp
Classification: Pathogenic for Fanconi anemia. Last evaluated: 2018-01-22. Review status: criteria provided, single submitter. Criteria: Invitae Variant Classification Sherloc (09022015). Collection method: clinical testing. Allele origin: germline.
Comment: For these reasons, this variant has been classified as Pathogenic. A different truncation (p.Gln1744Alafs*34) that lies downstream of this variant has been determined to be pathogenic (PMID: 19596235, 19596236, Invitae). This suggests that deletion of this region of the SLX4 protein is causative of disease. This variant has not been reported in the literature in individuals with SLX4-related disease. This variant is not present in population databases (ExAC no frequency). This sequence change results in a premature translational stop signal in the SLX4 gene (p.Leu1621Cysfs*94). While this is not anticipated to result in nonsense mediated decay, it is expected to disrupt the last 214 amino acids of the SLX4 protein.

Literature cited by the submitters: PubMed 19596235; PubMed 19596236.